The following is an entry in ClinVar:

ClinVar aggregate classification (germline): Uncertain significance. Review status: criteria provided, multiple submitters, no conflicts (2 of 4 stars). 3 submissions from 3 submitters: Uncertain significance (2). 1 of the submissions does not count toward it. Last evaluated 2023-04-26.

Conditions:
Bardet-Biedl syndrome (BBS). Identifiers: Orphanet 110, MedGen C0752166, MONDO:0015229.
McKusick-Kaufman syndrome (MKKS). Also called: HYDROMETROCOLPOS SYNDROME; HYDROMETROCOLPOS, POSTAXIAL POLYDACTYLY, AND CONGENITAL HEART MALFORMATION. Identifiers: Orphanet 2473, MedGen C0948368, MONDO:0009367, OMIM 236700.
MKKS-related disorder. Also called: MKKS-related disorders; MKKS-related condition.
Inborn genetic diseases. Identifiers: MedGen C0950123, MeSH D030342.

Allele frequency attached by ClinVar (database versions not stated): ESP Exome Variant Server 0.00008; TOPMed 0.00003; gnomAD 0.00004 and 0.00003; ExAC 0.00002; gnomAD exomes 0.00001.

Submissions (3):

Ambry Genetics
Classification: Uncertain significance for Inborn genetic diseases. Last evaluated: 2023-04-26. Review status: criteria provided, single submitter. Criteria: Ambry Variant Classification Scheme 2023. Collection method: clinical testing. Allele origin: germline.

Labcorp Genetics (formerly Invitae), Labcorp
Classification: Uncertain significance for McKusick-Kaufman syndrome; Bardet-Biedl syndrome. Last evaluated: 2021-09-01. Review status: criteria provided, single submitter. Criteria: Invitae Variant Classification Sherloc (09022015). Collection method: clinical testing. Allele origin: germline.
Comment: This sequence change replaces leucine with valine at codon 68 of the MKKS protein (p.Leu68Val). The leucine residue is weakly conserved and there is a small physicochemical difference between leucine and valine. This variant is present in population databases (rs200836375, ExAC 0.004%). This variant has not been reported in the literature in individuals affected with MKKS-related conditions. Algorithms developed to predict the effect of missense changes on protein structure and function (SIFT, PolyPhen-2, Align-GVGD) all suggest that this variant is likely to be tolerated. In summary, the available evidence is currently insufficient to determine the role of this variant in disease. Therefore, it has been classified as a Variant of Uncertain Significance.

PreventionGenetics, part of Exact Sciences
Classification: Uncertain significance for MKKS-related condition. Last evaluated: 2024-04-16. Review status: no assertion criteria provided. Collection method: clinical testing. Allele origin: germline. Not counted in ClinVar's aggregate classification.
Comment: The MKKS c.202T>G variant is predicted to result in the amino acid substitution p.Leu68Val. To our knowledge, this variant has not been reported in the literature. This variant is reported in 0.0039% of alleles in individuals of European (Non-Finnish) descent in gnomAD. At this time, the clinical significance of this variant is uncertain due to the absence of conclusive functional and genetic evidence.

NM_170784.3(MKKS):c.202T>G (p.Leu68Val)

Gene: MKKS (MKKS centrosomal shuttling protein; minus strand). Cytogenetic location: 20p12.2.
Variant type: single nucleotide variant.
Coding change: c.202T>G on transcript NM_170784.3 (MANE Select); coding-DNA position 202, T replaced by G.
Protein change: p.Leu68Val; replaces leucine 68 with valine.
Molecular consequence: missense variant.
Genome position (GRCh38, 1-based): chr20:10,413,313, A>C on the plus strand (T>G on the coding strand, the complement: MKKS is on the minus strand). VCF-style: chr20-10413313-A-C. GRCh37 (hg19) VCF-style: chr20-10393961-A-C.
Other names: c.202T>G (NM_018848.2); c.202T>G, p.Leu68Val (NM_018848.3); short protein forms L68V.
Identifiers: ClinVar variation 1004281 (VCV001004281.8), dbSNP rs200836375, ClinGen allele CA9763723.